The following is an entry in ClinVar:

NM_000090.4(COL3A1):c.3615T>C (p.Ile1205=)

Gene: COL3A1 (collagen type III alpha 1 chain; plus strand). Cytogenetic location: 2q32.2.
Variant type: single nucleotide variant.
Coding change: c.3615T>C on transcript NM_000090.4 (MANE Select); coding-DNA position 3615, T replaced by C.
Protein change: p.Ile1205=; no amino-acid change (isoleucine 1205 retained).
Molecular consequence: synonymous variant.
Genome position (GRCh38, 1-based): chr2:189,009,013, T>C. VCF-style: chr2-189009013-T-C. GRCh37 (hg19) VCF-style: chr2-189873739-T-C.
Identifiers: ClinVar variation 3070536 (VCV003070536.1), dbSNP rs2469166030, ClinGen allele CA430406594.

ClinVar aggregate classification (germline): Likely benign (1 of 4 stars; one submission).

Conditions:
Ehlers-Danlos syndrome, type 4 (EDSVASC). Also called: Ehlers-Danlos Syndrome Type IV; Ehlers-Danlos syndrome vascular type; Ehlers Danlos syndrome, ecchymotic type; Ehlers Danlos syndrome, arterial type; Ehlers Danlos syndrome, Sack-Barabas type. Identifiers: Orphanet 286, MedGen C0268338, MONDO:0017314, OMIM 130050.

Submission:

All of Us Research Program, National Institutes of Health
Classification: Likely benign for Ehlers-Danlos syndrome, type 4. Last evaluated: 2023-04-28. Review status: criteria provided, single submitter. Criteria: ACMG Guidelines, 2015. Collection method: clinical testing. Allele origin: germline. Inheritance: Autosomal dominant inheritance. Observed: 2 variant alleles, 2 heterozygotes.
Comment: This study involves interpretation of variants in research participants for the purpose of population health screening. Participant phenotype was not available at the time of variant classification. Additional details can be found in publication PMID: 35346344, PMCID: PMC8962531